The following is an entry in ClinVar:

ClinVar aggregate classification (germline): Uncertain significance (1 of 4 stars; one submission).

Conditions:
Cystic fibrosis (CF). Also called: MUCOVISCIDOSIS. Identifiers: Orphanet 586, MedGen C0010674, MONDO:0009061, OMIM 219700. Disease mechanism: loss of function.

Submission:

Ambry Genetics
Classification: Uncertain significance for Cystic fibrosis. Last evaluated: 2025-03-08. Review status: criteria provided, single submitter. Criteria: Ambry Variant Classification Scheme 2023. Collection method: clinical testing. Allele origin: germline.
Comment: The p.I1132N variant (also known as c.3395T>A), located in coding exon 21 of the CFTR gene, results from a T to A substitution at nucleotide position 3395. The isoleucine at codon 1132 is replaced by asparagine, an amino acid with dissimilar properties. This amino acid position is conserved. In addition, this alteration is predicted to be deleterious by in silico analysis. Based on the available evidence, the clinical significance of this variant remains unclear.

NM_000492.4(CFTR):c.3395T>A (p.Ile1132Asn)

Genes: CFTR (CF transmembrane conductance regulator; plus strand), CFTR-AS2 (CFTR antisense RNA 2; minus strand). Cytogenetic location: 7q31.2.
Variant type: single nucleotide variant.
Coding change: c.3395T>A on transcript NM_000492.4 (MANE Select); coding-DNA position 3395, T replaced by A.
Protein change: p.Ile1132Asn; replaces isoleucine 1132 with asparagine.
Molecular consequence: missense variant.
Genome position (GRCh38, 1-based): chr7:117,614,640, T>A. VCF-style: chr7-117614640-T-A. GRCh37 (hg19) VCF-style: chr7-117254694-T-A.
Other names: short protein forms I1132N.
Identifiers: ClinVar variation 3832607 (VCV003832607.1).